The following is an entry in ClinVar:

NM_002890.3(RASA1):c.1201A>G (p.Ile401Val)

Genes: CCNH (cyclin H; minus strand), RASA1 (RAS p21 protein activator 1; plus strand). Cytogenetic location: 5q14.3.
Variant type: single nucleotide variant.
Coding change: c.1201A>G on transcript NM_002890.3 (MANE Select); coding-DNA position 1201, A replaced by G.
Protein change: p.Ile401Val; replaces isoleucine 401 with valine.
Molecular consequence: missense variant. On other transcripts: intron variant (1).
Genome position (GRCh38, 1-based): chr5:87,349,312, A>G. VCF-style: chr5-87349312-A-G. GRCh37 (hg19) VCF-style: chr5-86645129-A-G.
Other names: c.670A>G, p.Ile224Val (NM_022650.3); c.934-36517T>C (NM_001364075.2); short protein forms I401V, I224V.
Identifiers: ClinVar variation 15998 (VCV000015998.3), dbSNP rs137853216, ClinGen allele CA126144.

ClinVar aggregate classification (germline): Uncertain significance. Review status: criteria provided, single submitter (1 of 4 stars). 2 submissions from 2 submitters: Uncertain significance (1). 1 of the submissions does not count toward it. Last evaluated 2025-02-06.

Conditions:
Capillary malformation-arteriovenous malformation syndrome. Also called: Capillary malformation-arteriovenous malformation. Identifiers: Orphanet 137667, MedGen C1842180, MONDO:0012016.
Basal cell carcinoma, somatic. Identifiers: MedGen C3838465.

Submissions (2):

Labcorp Genetics (formerly Invitae), Labcorp
Classification: Uncertain significance for Capillary malformation-arteriovenous malformation syndrome. Last evaluated: 2025-02-06. Review status: criteria provided, single submitter. Criteria: Invitae Variant Classification Sherloc (09022015). Collection method: clinical testing. Allele origin: germline.
Comment: This sequence change replaces isoleucine, which is neutral and non-polar, with valine, which is neutral and non-polar, at codon 401 of the RASA1 protein (p.Ile401Val). This variant is not present in population databases (gnomAD no frequency). This variant has not been reported in the literature in individuals affected with RASA1-related conditions. ClinVar contains an entry for this variant (Variation ID: 15998). An algorithm developed to predict the effect of missense changes on protein structure and function (PolyPhen-2) suggests that this variant is likely to be disruptive. In summary, the available evidence is currently insufficient to determine the role of this variant in disease. Therefore, it has been classified as a Variant of Uncertain Significance.

OMIM
Classification: Pathogenic for BASAL CELL CARCINOMA, SOMATIC. Last evaluated: 1993-11-01. Review status: no assertion criteria provided. Collection method: literature only. Allele origin: somatic. Not counted in ClinVar's aggregate classification.

Literature cited by the submitters: PubMed 8275088 (cited by OMIM).